The following is an entry in ClinVar:

NM_000463.3(UGT1A1):c.559C>T (p.Pro187Ser)

Genes: UGT1A6 (UDP glucuronosyltransferase family 1 member A6; plus strand), UGT1A7 (UDP glucuronosyltransferase family 1 member A7; plus strand), UGT1A8 (UDP glucuronosyltransferase family 1 member A8; plus strand), UGT1A5 (UDP glucuronosyltransferase family 1 member A5; plus strand), UGT1A9 (UDP glucuronosyltransferase family 1 member A9; plus strand) and 5 more. Cytogenetic location: 2q37.1.
Variant type: single nucleotide variant.
Coding change: c.559C>T on transcript NM_000463.3 (MANE Select); coding-DNA position 559, C replaced by T.
Protein change: p.Pro187Ser; replaces proline 187 with serine.
Molecular consequence: missense variant. On other transcripts: intron variant (9).
Genome position (GRCh38, 1-based): chr2:233,760,846, C>T. VCF-style: chr2-233760846-C-T. GRCh37 (hg19) VCF-style: chr2-234669492-C-T.
Other names: c.856-6188C>T (NM_019076.5, NM_019075.4, NM_021027.3 and 1 more transcripts); c.61-6188C>T (NM_205862.3); c.862-6188C>T (NM_001072.4); c.868-6188C>T (NM_019078.2, NM_007120.3, NM_019093.4); short protein forms P187S.
Identifiers: ClinVar variation 1519134 (VCV001519134.6), dbSNP rs760019185, ClinGen allele CA351067120.

ClinVar aggregate classification (germline): Uncertain significance. Review status: criteria provided, multiple submitters, no conflicts (2 of 4 stars). 2 submissions from 2 submitters: Uncertain significance (2). Last evaluated 2024-10-13.

Conditions:
UGT1A1-related disorder. Also called: UGT1A1-related condition; UGT1A1-related disorders.

Allele frequency attached by ClinVar (database versions not stated): TOPMed 0.00001.
gnomAD v4.1: 1 of 1,613,970 alleles (0.000062%); highest among the groups gnomAD compares: Non-Finnish European, 0.000085%; no homozygotes.

Submissions (2):

PreventionGenetics, part of Exact Sciences
Classification: Uncertain significance for UGT1A1-related condition. Last evaluated: 2024-10-13. Review status: criteria provided, single submitter. Criteria: ACMG Guidelines, 2015. Collection method: clinical testing. Allele origin: germline.
Comment: The UGT1A1 c.559C>T variant is predicted to result in the amino acid substitution p.Pro187Ser. To our knowledge, this variant has not been reported in the literature. This variant is reported in 0.0029% of alleles in individuals of Latino descent in gnomAD. At this time, the clinical significance of this variant is uncertain due to the absence of conclusive functional and genetic evidence.

Labcorp Genetics (formerly Invitae), Labcorp
Classification: Uncertain significance. Last evaluated: 2022-02-17. Review status: criteria provided, single submitter. Criteria: Invitae Variant Classification Sherloc (09022015). Collection method: clinical testing. Allele origin: germline.
Comment: This sequence change replaces proline, which is neutral and non-polar, with serine, which is neutral and polar, at codon 187 of the UGT1A1 protein (p.Pro187Ser). This variant is present in population databases (no rsID available, gnomAD 0.003%). This variant has not been reported in the literature in individuals affected with UGT1A1-related conditions. Algorithms developed to predict the effect of missense changes on protein structure and function are either unavailable or do not agree on the potential impact of this missense change (SIFT: "Not Available"; PolyPhen-2: "Probably Damaging"; Align-GVGD: "Not Available"). In summary, the available evidence is currently insufficient to determine the role of this variant in disease. Therefore, it has been classified as a Variant of Uncertain Significance.